The following is an entry in ClinVar:

ClinVar aggregate classification (germline): Uncertain significance. Review status: criteria provided, multiple submitters, no conflicts (2 of 4 stars). 2 submissions from 2 submitters: Uncertain significance (2). Last evaluated 2024-12-07.

Conditions:
Inborn genetic diseases. Identifiers: MedGen C0950123, MeSH D030342.

Submissions (2):

Ambry Genetics
Classification: Uncertain significance for Inborn genetic diseases. Last evaluated: 2024-12-07. Review status: criteria provided, single submitter. Criteria: Ambry Variant Classification Scheme 2023. Collection method: clinical testing. Allele origin: germline.

GeneDx
Classification: Uncertain significance. Last evaluated: 2023-11-05. Review status: criteria provided, single submitter. Criteria: GeneDx Variant Classification Process June 2021. Collection method: clinical testing. Allele origin: germline. Affected: yes.
Comment: Not observed at significant frequency in large population cohorts (gnomAD); In silico analysis supports that this missense variant has a deleterious effect on protein structure/function; Has not been previously published as pathogenic or benign to our knowledge

NM_003070.5(SMARCA2):c.4378A>C (p.Lys1460Gln)

Gene: SMARCA2 (SWI/SNF related BAF chromatin remodeling complex subunit ATPase 2; plus strand). Cytogenetic location: 9p24.3.
Variant type: single nucleotide variant.
Coding change: c.4378A>C on transcript NM_003070.5 (MANE Select); coding-DNA position 4378, A replaced by C.
Protein change: p.Lys1460Gln; replaces lysine 1460 with glutamine.
Molecular consequence: missense variant.
Genome position (GRCh38, 1-based): chr9:2,182,159, A>C. VCF-style: chr9-2182159-A-C. GRCh37 (hg19) VCF-style: chr9-2182159-A-C.
Other names: c.4378A>C, p.Lys1460Gln (NM_001289396.2); c.4150A>C, p.Lys1384Gln (NM_001289397.2); c.352A>C, p.Lys118Gln (NM_001289398.2); c.436A>C, p.Lys146Gln (NM_001289399.2); c.442A>C, p.Lys148Gln (NM_001289400.2); c.4324A>C, p.Lys1442Gln (NM_139045.4); short protein forms K118Q, K1384Q, K1442Q, K1460Q, K146Q, K148Q.
Identifiers: ClinVar variation 3363810 (VCV003363810.2).